The following is an entry in ClinVar:

NM_000094.4(COL7A1):c.6628G>A (p.Gly2210Arg)

Gene: COL7A1 (collagen type VII alpha 1 chain; minus strand). Cytogenetic location: 3p21.31.
Variant type: single nucleotide variant.
Coding change: c.6628G>A on transcript NM_000094.4 (MANE Select); coding-DNA position 6628, G replaced by A.
Protein change: p.Gly2210Arg; replaces glycine 2210 with arginine.
Molecular consequence: missense variant.
Genome position (GRCh38, 1-based): chr3:48,573,339, C>T on the plus strand (G>A on the coding strand, the complement: COL7A1 is on the minus strand). VCF-style: chr3-48573339-C-T. GRCh37 (hg19) VCF-style: chr3-48610772-C-T.
Other names: short protein forms G2210R.
Identifiers: ClinVar variation 3768019 (VCV003768019.1).

ClinVar aggregate classification (germline): Uncertain significance (1 of 4 stars; one submission).

Submission:

Women's Health and Genetics/Laboratory Corporation of America, LabCorp
Classification: Uncertain significance. Last evaluated: 2024-12-30. Review status: criteria provided, single submitter. Criteria: LabCorp Variant Classification Summary - May 2015. Collection method: clinical testing. Allele origin: germline.
Comment: Variant summary: COL7A1 c.6628G>A (p.Gly2210Arg) results in a non-conservative amino acid change in the encoded protein sequence. Five of five in-silico tools predict a damaging effect of the variant on protein function. The variant was absent in 250766 control chromosomes. c.6628G>A has been reported in the literature in at-least one homozygous individual affected with Dystrophic Epidermolysis Bullosa, Recessive (example: Vahidnezhad_2017). These data indicate that the variant may be associated with disease. To our knowledge, no experimental evidence demonstrating an impact on protein function has been reported. The following publication has been ascertained in the context of this evaluation (PMID: 27899325). No submitters have cited clinical-significance assessments for this variant to ClinVar. Based on the evidence outlined above, the variant was classified as VUS-possibly pathogenic.

Literature cited by the submitters: PubMed 27899325.